The following is an entry in ClinVar:

NM_000460.4(THPO):c.13+2T>C

Gene: THPO (thrombopoietin; minus strand). Cytogenetic location: 3q27.1.
Variant type: single nucleotide variant.
Coding change: c.13+2T>C on transcript NM_000460.4 (MANE Select); the canonical splice donor site of the intron after coding-DNA position 13, T replaced by C.
Molecular consequence: splice donor variant.
Genome position (GRCh38, 1-based): chr3:184,376,245, A>G on the plus strand (T>C on the coding strand, the complement: THPO is on the minus strand). VCF-style: chr3-184376245-A-G. GRCh37 (hg19) VCF-style: chr3-184094033-A-G.
Other names: c.13+2T>C (NM_001290028.1, NM_001290026.1, NM_001290022.1 and 5 more transcripts); c.433+2T>C (NM_001290003.1).
Identifiers: ClinVar variation 975832 (VCV000975832.1), dbSNP rs1714390786, ClinGen allele CA355463437.

ClinVar aggregate classification (germline): Likely pathogenic (0 of 4 stars; one submission).

Conditions:
Thrombocythemia 1 (THCYT1). Also called: THROMBOCYTOSIS 1; THROMBOCYTHEMIA, SOMATIC. Identifiers: MedGen C3277671, MONDO:0008554, OMIM 187950.

Submission:

Clinical Genomics Laboratory, Stanford Medicine
Classification: Likely pathogenic for Thrombocythemia 1. Last evaluated: 2018-10-15. Review status: no assertion criteria provided. Collection method: clinical testing. Allele origin: germline. Inheritance: Autosomal dominant inheritance. Affected: yes.
Comment: The c.13+2T>C variant in the THPO gene has been previously reported in this family and co-segregated with disease in 3 affected relatives (Zhang et al., 2011). The c.13+2T>C variant was absent from large population databases, including the Genome Aggregation Database. The c.13+2T>C variant alters the canonical donor splice site in intron 3, which is predicted to result in abnormal gene splicing. Well-established in vitro functional studies strongly support this variant causing a splice defect (Zhang et al., 2011). Additionally, a different nucleotide change, c.13+1G>C, disrupting the same canonical splice site has been previously reported (Wiestner et al., 1998). The c.13+1G>C variant is classified as pathogenic and is expected to result in a similar disruption to protein function as c. 13+2T>C. These data were assessed using the ACMG/AMP variant interpretation guidelines. In summary, there is sufficient evidence to classify the variant as likely pathogenic for thrombocythemia in an autosomal dominant manner based on the information above [ACMG evidence codes used: PS3, PM2_supporting, PP1].